The following is an entry in ClinVar:

NM_003797.5(EED):c.114+4A>C

Gene: EED (embryonic ectoderm development; plus strand). Cytogenetic location: 11q14.2.
Variant type: single nucleotide variant.
Coding change: c.114+4A>C on transcript NM_003797.5 (MANE Select); 4 bases into the intron after coding-DNA position 114, A replaced by C.
Molecular consequence: intron variant.
Genome position (GRCh38, 1-based): chr11:86,245,347, A>C. VCF-style: chr11-86245347-A-C. GRCh37 (hg19) VCF-style: chr11-85956389-A-C.
Other names: c.114+4A>C (NM_003797.4, NM_001308007.2, NM_001330334.2).
Identifiers: ClinVar variation 2848984 (VCV002848984.5), dbSNP rs202074959, ClinGen allele CA6216316.

ClinVar aggregate classification (germline): Uncertain significance. Review status: criteria provided, single submitter (1 of 4 stars). 2 submissions from 2 submitters: Uncertain significance (1). 1 of the submissions does not count toward it. Last evaluated 2024-11-09.

Conditions:
EED-related disorder. Also called: EED-related condition.
Cohen-Gibson syndrome (COGIS). Also called: EED-Related Overgrowth. Identifiers: Orphanet 659396, MedGen C4479654, MONDO:0060510, OMIM 617561.

Allele frequency attached by ClinVar (database versions not stated): gnomAD exomes 0.00004; gnomAD 0.00005; TOPMed 0.00005; 1000 Genomes Project 0.00020; 1000 Genomes Project 30x 0.00031.
gnomAD v4.1: 79 of 1,608,118 alleles (0.0049%); highest among the groups gnomAD compares: Middle Eastern, 0.033%; no homozygotes.

Submissions (2):

Labcorp Genetics (formerly Invitae), Labcorp
Classification: Uncertain significance for Cohen-Gibson syndrome. Last evaluated: 2024-11-09. Review status: criteria provided, single submitter. Criteria: Invitae Variant Classification Sherloc (09022015). Collection method: clinical testing. Allele origin: germline.
Comment: This sequence change falls in intron 1 of the EED gene. It does not directly change the encoded amino acid sequence of the EED protein. It affects a nucleotide within the consensus splice site. This variant is present in population databases (rs202074959, gnomAD 0.02%). This variant has not been reported in the literature in individuals affected with EED-related conditions. ClinVar contains an entry for this variant (Variation ID: 2848984). Variants that disrupt the consensus splice site are a relatively common cause of aberrant splicing (PMID: 17576681, 9536098). Algorithms developed to predict the effect of sequence changes on RNA splicing suggest that this variant is not likely to affect RNA splicing. In summary, the available evidence is currently insufficient to determine the role of this variant in disease. Therefore, it has been classified as a Variant of Uncertain Significance.

PreventionGenetics, part of Exact Sciences
Classification: Likely benign for EED-related condition. Last evaluated: 2023-04-19. Review status: no assertion criteria provided. Collection method: clinical testing. Allele origin: germline. Not counted in ClinVar's aggregate classification.
Comment: This variant is classified as likely benign based on ACMG/AMP sequence variant interpretation guidelines (Richards et al. 2015 PMID: 25741868, with internal and published modifications).

Literature cited by the submitters: PubMed 17576681 (cited by Labcorp Genetics (formerly Invitae), Labcorp); PubMed 9536098 (cited by Labcorp Genetics (formerly Invitae), Labcorp).